The following is an entry in ClinVar:

ClinVar aggregate classification (germline): Pathogenic/Likely pathogenic. Review status: criteria provided, multiple submitters, no conflicts (2 of 4 stars). 2 submissions from 2 submitters: Pathogenic (1); Likely pathogenic (1). Last evaluated 2024-02-26.

Conditions:
Wilson disease (WND). Also called: Wilson's disease. Identifiers: Orphanet 905, MedGen C0019202, MONDO:0010200, OMIM 277900. Disease mechanism: loss of function.

Submissions (2):

Fulgent Genetics
Classification: Likely pathogenic for Wilson disease. Last evaluated: 2024-02-26. Review status: criteria provided, single submitter. Criteria: ACMG Guidelines, 2015. Collection method: clinical testing. Allele origin: germline.

Labcorp Genetics (formerly Invitae), Labcorp
Classification: Pathogenic for Wilson disease. Last evaluated: 2021-12-24. Review status: criteria provided, single submitter. Criteria: Invitae Variant Classification Sherloc (09022015). Collection method: clinical testing. Allele origin: germline.
Comment: For these reasons, this variant has been classified as Pathogenic. This variant has not been reported in the literature in individuals affected with ATP7B-related conditions. This sequence change creates a premature translational stop signal (p.Thr804Asnfs*7) in the ATP7B gene. It is expected to result in an absent or disrupted protein product. Loss-of-function variants in ATP7B are known to be pathogenic (PMID: 10441329, 16283883). This variant is not present in population databases (gnomAD no frequency).

Literature cited by the submitters: PubMed 10441329 (cited by Labcorp Genetics (formerly Invitae), Labcorp); PubMed 16283883 (cited by Labcorp Genetics (formerly Invitae), Labcorp).

NM_000053.4(ATP7B):c.2410dup (p.Thr804fs)

Gene: ATP7B (ATPase copper transporting beta; minus strand). Cytogenetic location: 13q14.3.
Variant type: Duplication.
Coding change: c.2410dup on transcript NM_000053.4 (MANE Select); coding-DNA position 2410, one base duplicated (A; older notation c.2410dupA).
Protein change: p.Thr804fs; shifts the reading frame from threonine 804.
Molecular consequence: frameshift variant.
Genome position (GRCh38, 1-based): chr13:51,957,553, T duplicated on the plus strand (A on the coding strand, the reverse complement: ATP7B is on the minus strand). VCF-style (leftmost placement, unchanged base first): chr13-51957552-G-GT. GRCh37 (hg19) VCF-style: chr13-52531688-G-GT.
Other names: c.1924dup, p.Thr642fs (NM_001005918.3); c.2077dup, p.Thr693fs (NM_001243182.2); c.2176dup, p.Thr726fs (NM_001330578.2); c.2158dup, p.Thr720fs (NM_001330579.2); c.2410dup, p.Thr804Asnfs (NM_001406511.1, NM_001406512.1, NM_001406513.1 and 7 more transcripts); c.2377dup, p.Thr793Asnfs (NM_001406514.1); c.2314dup, p.Thr772Asnfs (NM_001406517.1, NM_001406518.1); c.2266dup, p.Thr756Asnfs (NM_001406520.1, NM_001406521.1, NM_001406522.1 and 1 more transcripts); and 10 more; short protein forms T642fs, T720fs, T693fs, T726fs, T804fs.
Identifiers: ClinVar variation 2059238 (VCV002059238.5), dbSNP rs2547709820, ClinGen allele CA2580087642.
Genomic context (GRCh38, chr13:51,957,552, plus strand): 5'-AGACATTTGATAACCATAACTCACCTGATGATTAAATTGTCCTCACCAAGGGTCACAACG[G>GT]TGGCTTCTGTGGCTTGGAGAGACATGAGTTTAGCCAGGGCTTCTGAGGTTTTGCTCTAGG-3'